The following is an entry in ClinVar:

ClinVar aggregate classification (germline): Uncertain significance (1 of 4 stars; one submission).

Conditions:
Inborn genetic diseases. Identifiers: MedGen C0950123, MeSH D030342.

Submission:

Ambry Genetics
Classification: Uncertain significance for Inborn genetic diseases. Last evaluated: 2024-12-28. Review status: criteria provided, single submitter. Criteria: Ambry Variant Classification Scheme 2023. Collection method: clinical testing. Allele origin: germline.
Comment: The c.644+3G>A intronic variant results from a G to A substitution 3 nucleotides after coding exon 7 in the DDX41 gene. This nucleotide position is not well conserved in available vertebrate species. In silico splice site analysis predicts that this alteration will not have any significant effect on splicing. Based on the available evidence, the clinical significance of this variant remains unclear.

NM_016222.4(DDX41):c.644+3G>A

Gene: DDX41 (DEAD-box helicase 41; minus strand). Cytogenetic location: 5q35.3.
Variant type: single nucleotide variant.
Coding change: c.644+3G>A on transcript NM_016222.4 (MANE Select); 3 bases into the intron after coding-DNA position 644, G replaced by A.
Molecular consequence: intron variant.
Genome position (GRCh38, 1-based): chr5:177,515,183, C>T on the plus strand (G>A on the coding strand, the complement: DDX41 is on the minus strand). VCF-style: chr5-177515183-C-T. GRCh37 (hg19) VCF-style: chr5-176942184-C-T.
Other names: c.266+3G>A (NM_001321830.2, NM_001321732.2).
Identifiers: ClinVar variation 3838925 (VCV003838925.1).
Genomic context (GRCh38, chr5:177,515,183, plus strand): 5'-TAGCCATTGCTCCTCCCTGTTCCAGCCCTCCTCAAGGACCCCAGGTCCACAGTCCACACT[C>T]ACATGGTGGGGATGCCCTGGATCTGAATGGGTGTTGGGTGGTGAATGCCTTTCTTCTTCA-3'